The following is an entry in ClinVar:

ClinVar aggregate classification (germline): Uncertain significance (1 of 4 stars; one submission).

Submission:

Labcorp Genetics (formerly Invitae), Labcorp
Classification: Uncertain significance. Last evaluated: 2025-07-08. Review status: criteria provided, single submitter. Criteria: Invitae Variant Classification Sherloc (09022015). Collection method: clinical testing. Allele origin: germline.
Comment: This sequence change replaces proline, which is neutral and non-polar, with histidine, which is basic and polar, at codon 564 of the MMP9 protein (p.Pro564His). This variant is not present in population databases (gnomAD no frequency). This variant has not been reported in the literature in individuals affected with MMP9-related conditions. Invitae Evidence Modeling of protein sequence and biophysical properties (such as structural, functional, and spatial information, amino acid conservation, physicochemical variation, residue mobility, and thermodynamic stability) indicates that this missense variant is not expected to disrupt MMP9 protein function with a negative predictive value of 80%. In summary, the available evidence is currently insufficient to determine the role of this variant in disease. Therefore, it has been classified as a Variant of Uncertain Significance.

NM_004994.3(MMP9):c.1691C>A (p.Pro564His)

Genes: SLC12A5-AS1 (SLC12A5 and MMP9 antisense RNA 1; minus strand), MMP9 (matrix metallopeptidase 9; plus strand). Cytogenetic location: 20q13.12.
Variant type: single nucleotide variant.
Coding change: c.1691C>A on transcript NM_004994.3 (MANE Select); coding-DNA position 1691, C replaced by A.
Protein change: p.Pro564His; replaces proline 564 with histidine.
Molecular consequence: missense variant. On other transcripts: non-coding transcript variant (1).
Genome position (GRCh38, 1-based): chr20:46,013,737, C>A. VCF-style: chr20-46013737-C-A. GRCh37 (hg19) VCF-style: chr20-44642376-C-A.
Other names: short protein forms P564H.
Identifiers: ClinVar variation 4740926 (VCV004740926.1).